The following is an entry in ClinVar:

ClinVar aggregate classification (germline): Uncertain significance. Review status: criteria provided, multiple submitters, no conflicts (2 of 4 stars). 2 submissions from 2 submitters: Uncertain significance (2). Last evaluated 2023-03-06.

Conditions:
Inborn genetic diseases. Identifiers: MedGen C0950123, MeSH D030342.

Allele frequency attached by ClinVar (database versions not stated): gnomAD 0.00001; TOPMed 0.00002.
gnomAD v4.1: 11 of 1,612,582 alleles (0.00068%); highest among the groups gnomAD compares: Non-Finnish European, 0.00093%; no homozygotes.

Submissions (2):

Ambry Genetics
Classification: Uncertain significance for Inborn genetic diseases. Last evaluated: 2023-03-06. Review status: criteria provided, single submitter. Criteria: Ambry Variant Classification Scheme 2023. Collection method: clinical testing. Allele origin: germline.

GeneDx
Classification: Uncertain significance. Last evaluated: 2017-07-13. Review status: criteria provided, single submitter. Criteria: GeneDx Variant Classification (06012015). Collection method: clinical testing. Allele origin: germline. Affected: yes.
Comment: The R216Q variant in the BRF1 gene has not been reported previously as a pathogenic variant, nor as a benign variant, to our knowledge. The R216Q variant is not observed in large population cohorts (Lek et al., 2016; 1000 Genomes Consortium et al., 2015; Exome Variant Server). The R216Q variant is a semi-conservative amino acid substitution, which may impact secondary protein structure as these residues differ in some properties. This substitution occurs at a position that is conserved across species. In silico analysis predicts this variant is probably damaging to the protein structure/function. We interpret R216Q as a variant of uncertain significance.

NM_001519.4(BRF1):c.647G>A (p.Arg216Gln)

Gene: BRF1 (BRF1 RNA polymerase III transcription initiation factor subunit; minus strand). Cytogenetic location: 14q32.33.
Variant type: single nucleotide variant.
Coding change: c.647G>A on transcript NM_001519.4 (MANE Select); coding-DNA position 647, G replaced by A.
Protein change: p.Arg216Gln; replaces arginine 216 with glutamine.
Molecular consequence: missense variant. On other transcripts: intron variant (1).
Genome position (GRCh38, 1-based): chr14:105,241,312, C>T on the plus strand (G>A on the coding strand, the complement: BRF1 is on the minus strand). VCF-style: chr14-105241312-C-T. GRCh37 (hg19) VCF-style: chr14-105707649-C-T.
Other names: c.302G>A, p.Arg101Gln (NM_001242786.2, NM_001242787.2); c.566G>A, p.Arg189Gln (NM_001242788.2); c.35G>A, p.Arg12Gln (NM_145685.3); c.-21+7837G>A (NM_001242789.2); short protein forms R101Q, R216Q, R12Q, R189Q.
Identifiers: ClinVar variation 450367 (VCV000450367.4), dbSNP rs757115243, ClinGen allele CA391178001.
Genomic context (GRCh38, chr14:105,241,312, plus strand): 5'-GGGCCCGCTGTACCTGCTCCGCAGAGGCCCGAGGGGCGCCGGCCTGTGTGCATCCAGTCC[C>T]GCTTCATCCTCTGTAGGAGCCTCAGGGCAGTCATGGACACCTCGTGGTTCTTCTCCCCGA-3'
Protein context (NP_001510.2, residues 206-226): TALRLLQRMK[Arg216Gln]DWMHTGRRPS